The following is an entry in ClinVar:

NM_001195.5(BFSP1):c.1123G>T (p.Glu375Ter)

Gene: BFSP1 (beaded filament structural protein 1; minus strand). Cytogenetic location: 20p12.1.
Variant type: single nucleotide variant.
Coding change: c.1123G>T on transcript NM_001195.5 (MANE Select); coding-DNA position 1123, G replaced by T.
Protein change: p.Glu375Ter; replaces glutamic acid 375 with a stop codon.
Molecular consequence: nonsense.
Genome position (GRCh38, 1-based): chr20:17,494,949, C>A on the plus strand (G>T on the coding strand, the complement: BFSP1 is on the minus strand). VCF-style: chr20-17494949-C-A. GRCh37 (hg19) VCF-style: chr20-17475594-C-A.
Other names: c.748G>T, p.Glu250Ter (NM_001161705.2); c.706G>T, p.Glu236Ter (NM_001278606.2, NM_001278608.2); c.790G>T, p.Glu264Ter (NM_001278607.2); c.1015G>T, p.Glu339Ter (NM_001424338.1); short protein forms E236*, E250*, E264*, E339*, E375*.
Identifiers: ClinVar variation 3338553 (VCV003338553.1).
Genomic context (GRCh38, chr20:17,494,949, plus strand): 5'-CCAAACCTTTTAATGGTGCATCTTCCAGAGCTCCGTTGGTTTTGTCTTTTGTTATAATCT[C>A]TTTTCTCCTTGGAACATTCTTGGGGAGGGCTTTTTGTCTTGGTTTTGCTGCTGTTATATC-3'

ClinVar aggregate classification (germline): Uncertain significance (1 of 4 stars; one submission).

Submission:

Greenwood Genetic Center Diagnostic Laboratories, Greenwood Genetic Center
Classification: Uncertain significance. Last evaluated: 2024-06-11. Review status: criteria provided, single submitter. Criteria: ACMG Guidelines, 2015. Collection method: clinical testing. Allele origin: germline. Affected: yes.
Comment: PM2